The following is an entry in ClinVar:

ClinVar aggregate classification (germline): Uncertain significance. Review status: criteria provided, multiple submitters, no conflicts (2 of 4 stars). 2 submissions from 2 submitters: Uncertain significance (2). Last evaluated 2025-08-22.

Conditions:
Progressive familial heart block type IB (PFHB1B). Identifiers: Orphanet 871, MedGen C1970298, MONDO:0011474, OMIM 604559.
Cardiovascular phenotype. Identifiers: MedGen CN230736.

Submissions (2):

Ambry Genetics
Classification: Uncertain significance for Cardiovascular phenotype. Last evaluated: 2025-08-22. Review status: criteria provided, single submitter. Criteria: Ambry Variant Classification Scheme 2023. Collection method: clinical testing. Allele origin: germline.

Labcorp Genetics (formerly Invitae), Labcorp
Classification: Uncertain significance for Progressive familial heart block type IB. Last evaluated: 2022-01-17. Review status: criteria provided, single submitter. Criteria: Invitae Variant Classification Sherloc (09022015). Collection method: clinical testing. Allele origin: germline.
Comment: In summary, the available evidence is currently insufficient to determine the role of this variant in disease. Therefore, it has been classified as a Variant of Uncertain Significance. Algorithms developed to predict the effect of missense changes on protein structure and function are either unavailable or do not agree on the potential impact of this missense change (SIFT: "Deleterious"; PolyPhen-2: "Probably Damaging"; Align-GVGD: "Class C0"). This variant has not been reported in the literature in individuals affected with TRPM4-related conditions. This variant is not present in population databases (gnomAD no frequency). This sequence change replaces valine, which is neutral and non-polar, with alanine, which is neutral and non-polar, at codon 503 of the TRPM4 protein (p.Val503Ala).

NM_017636.4(TRPM4):c.1508T>C (p.Val503Ala)

Gene: TRPM4 (transient receptor potential cation channel subfamily M member 4; plus strand). Cytogenetic location: 19q13.33.
Variant type: single nucleotide variant.
Coding change: c.1508T>C on transcript NM_017636.4 (MANE Select); coding-DNA position 1508, T replaced by C.
Protein change: p.Val503Ala; replaces valine 503 with alanine.
Molecular consequence: missense variant. On other transcripts: 5 prime UTR variant (1).
Genome position (GRCh38, 1-based): chr19:49,182,822, T>C. VCF-style: chr19-49182822-T-C. GRCh37 (hg19) VCF-style: chr19-49686079-T-C.
Other names: c.1508T>C (NM_017636.3); c.1508T>C, p.Val503Ala (NM_001195227.2); c.1163T>C, p.Val388Ala (NM_001321281.2); c.-46T>C (NM_001321282.2); c.986T>C, p.Val329Ala (NM_001321283.2); c.446T>C, p.Val149Ala (NM_001321285.2); short protein forms V329A, V503A, V149A, V388A.
Identifiers: ClinVar variation 2087165 (VCV002087165.5), dbSNP rs2514116570, ClinGen allele CA406799558.